The following is an entry in ClinVar:

NM_003331.5(TYK2):c.2177A>T (p.Glu726Val)

Gene: TYK2 (tyrosine kinase 2; minus strand). Cytogenetic location: 19p13.2.
Variant type: single nucleotide variant.
Coding change: c.2177A>T on transcript NM_003331.5 (MANE Select); coding-DNA position 2177, A replaced by T.
Protein change: p.Glu726Val; replaces glutamic acid 726 with valine.
Molecular consequence: missense variant.
Genome position (GRCh38, 1-based): chr19:10,358,137, T>A on the plus strand (A>T on the coding strand, the complement: TYK2 is on the minus strand). VCF-style: chr19-10358137-T-A. GRCh37 (hg19) VCF-style: chr19-10468813-T-A.
Other names: c.2177A>T, p.Glu726Val (NM_001385197.1, NM_001385198.1, NM_001385200.1 and 3 more transcripts); c.1991A>T, p.Glu664Val (NM_001385199.1); c.2087A>T, p.Glu696Val (NM_001385205.1); c.2051A>T, p.Glu684Val (NM_001385206.1); c.2159A>T, p.Glu720Val (NM_001385207.1); c.1979A>T, p.Glu660Val (NM_001385201.1); c.2093A>T, p.Glu698Val (NM_001385202.1); short protein forms E660V, E696V, E720V, E726V, E664V, E698V, E684V.
Identifiers: ClinVar variation 2015817 (VCV002015817.4), dbSNP rs2512497562, ClinGen allele CA403998825.

ClinVar aggregate classification (germline): Uncertain significance (1 of 4 stars; one submission).

Conditions:
Immunodeficiency 35 (IMD35). Also called: Susceptibility to infection due to TYK2 deficiency; HIES WITH ATYPICAL MYCOBACTERIOSIS, AUTOSOMAL RECESSIVE; HYPER-IgE SYNDROME WITH ATYPICAL MYCOBACTERIOSIS, AUTOSOMAL RECESSIVE; TYK2 DEFICIENCY. Identifiers: Orphanet 331226, MedGen C1969086, MONDO:0012682, OMIM 611521.

Submission:

Labcorp Genetics (formerly Invitae), Labcorp
Classification: Uncertain significance for Immunodeficiency 35. Last evaluated: 2024-10-16. Review status: criteria provided, single submitter. Criteria: Invitae Variant Classification Sherloc (09022015). Collection method: clinical testing. Allele origin: germline.
Comment: This sequence change replaces glutamic acid, which is acidic and polar, with valine, which is neutral and non-polar, at codon 726 of the TYK2 protein (p.Glu726Val). This variant is not present in population databases (gnomAD no frequency). This variant has not been reported in the literature in individuals affected with TYK2-related conditions. ClinVar contains an entry for this variant (Variation ID: 2015817). An algorithm developed to predict the effect of missense changes on protein structure and function (PolyPhen-2) suggests that this variant is likely to be disruptive. In summary, the available evidence is currently insufficient to determine the role of this variant in disease. Therefore, it has been classified as a Variant of Uncertain Significance.